The following is an entry in ClinVar:

NM_001395002.1(MAP4K4):c.2083G>A (p.Glu695Lys)

Gene: MAP4K4 (mitogen-activated protein kinase kinase kinase kinase 4; plus strand). Cytogenetic location: 2q11.2.
Variant type: single nucleotide variant.
Coding change: c.2083G>A on transcript NM_001395002.1 (MANE Select); coding-DNA position 2083, G replaced by A.
Protein change: p.Glu695Lys; replaces glutamic acid 695 with lysine.
Molecular consequence: missense variant. On other transcripts: non-coding transcript variant (3), intron variant (22).
Genome position (GRCh38, 1-based): chr2:101,864,037, G>A. VCF-style: chr2-101864037-G-A. GRCh37 (hg19) VCF-style: chr2-102480499-G-A.
Other names: c.1921G>A, p.Glu641Lys (NM_001384484.1, NM_001384485.1, NM_001384493.1 and 1 more transcripts); c.1828G>A, p.Glu610Lys (NM_001384487.1, NM_001384491.1, NM_001384509.1 and 1 more transcripts); c.1990G>A, p.Glu664Lys (NM_001384492.1, NM_001384520.1, NM_001384543.1); c.2083G>A, p.Glu695Lys (NM_001384497.1, NM_001384506.1); c.1915G>A, p.Glu639Lys (NM_001384508.1, NM_001384477.1); c.1801G>A, p.Glu601Lys (NM_001384558.1, NM_001384567.1, NM_001384554.1); c.1888G>A, p.Glu630Lys (NM_001384562.1, NM_001384563.1, NM_001384553.1 and 1 more transcripts); c.1963G>A, p.Glu655Lys (NM_001384564.1); and 11 more; short protein forms E601K, E603K, E610K, E612K, E630K, E632K, E639K, E641K.
Identifiers: ClinVar variation 4885365 (VCV004885365.2).

ClinVar aggregate classification (germline): Uncertain significance (1 of 4 stars; one submission).

Submission:

Dasa
Classification: Uncertain significance. Last evaluated: 2026-04-28. Review status: criteria provided, single submitter. Criteria: DASA Assertion Criteria. Collection method: clinical testing. Allele origin: germline.
Comment: NM_001395002.1(MAP4K4):c.2083G>A (p.Glu695Lys) is a missense variant that results in the substitution of glutamic acid with lysine. This variant is rare in population databases. The currently available literature and clinical evidence are not sufficient to establish a definitive association between this variant and the reported condition. Therefore, this variant is classified as a variant of uncertain significance.